The following is an entry in ClinVar:

ClinVar aggregate classification (germline): Uncertain significance (1 of 4 stars; one submission).

gnomAD v4.1: 1 of 1,613,742 alleles (0.000062%); highest among the groups gnomAD compares: Non-Finnish European, 0.000085%; no homozygotes.

Submission:

Labcorp Genetics (formerly Invitae), Labcorp
Classification: Uncertain significance. Last evaluated: 2025-10-13. Review status: criteria provided, single submitter. Criteria: Invitae Variant Classification Sherloc (09022015). Collection method: clinical testing. Allele origin: germline.
Comment: This sequence change replaces histidine, which is basic and polar, with arginine, which is basic and polar, at codon 798 of the LZTR1 protein (p.His798Arg). This variant is present in population databases (no rsID available, gnomAD 0.0009%). This variant has not been reported in the literature in individuals affected with LZTR1-related conditions. Invitae Evidence Modeling of protein sequence and biophysical properties (such as structural, functional, and spatial information, amino acid conservation, physicochemical variation, residue mobility, and thermodynamic stability) indicates that this missense variant is not expected to disrupt LZTR1 protein function with a negative predictive value of 80%. In summary, the available evidence is currently insufficient to determine the role of this variant in disease. Therefore, it has been classified as a Variant of Uncertain Significance.

NM_006767.4(LZTR1):c.2393A>G (p.His798Arg)

Gene: LZTR1 (leucine zipper like post translational regulator 1; plus strand). Cytogenetic location: 22q11.21.
Variant type: single nucleotide variant.
Coding change: c.2393A>G on transcript NM_006767.4 (MANE Select); coding-DNA position 2393, A replaced by G.
Protein change: p.His798Arg; replaces histidine 798 with arginine.
Molecular consequence: missense variant.
Genome position (GRCh38, 1-based): chr22:20,996,953, A>G. VCF-style: chr22-20996953-A-G. GRCh37 (hg19) VCF-style: chr22-21351242-A-G.
Other names: short protein forms H798R.
Identifiers: ClinVar variation 4743105 (VCV004743105.1).